The following is an entry in ClinVar:

NM_152703.5(SAMD9L):c.659A>G (p.Glu220Gly)

Gene: SAMD9L (sterile alpha motif domain containing 9 like; minus strand). Cytogenetic location: 7q21.2.
Variant type: single nucleotide variant.
Coding change: c.659A>G on transcript NM_152703.5 (MANE Select); coding-DNA position 659, A replaced by G.
Protein change: p.Glu220Gly; replaces glutamic acid 220 with glycine.
Molecular consequence: missense variant.
Genome position (GRCh38, 1-based): chr7:93,135,313, T>C on the plus strand (A>G on the coding strand, the complement: SAMD9L is on the minus strand). VCF-style: chr7-93135313-T-C. GRCh37 (hg19) VCF-style: chr7-92764626-T-C.
Other names: c.659A>G (NM_152703.3, NM_152703.4); c.659A>G, p.Glu220Gly (NM_001303496.3, NM_001303497.3, NM_001303498.3 and 5 more transcripts); short protein forms E220G.
Identifiers: ClinVar variation 1056231 (VCV001056231.14), dbSNP rs202158782, ClinGen allele CA4343838.

ClinVar aggregate classification (germline): Uncertain significance. Review status: criteria provided, multiple submitters, no conflicts (2 of 4 stars). 6 submissions from 6 submitters: Uncertain significance (6). Last evaluated 2026-01-30.

Conditions:
SAMD9L-related disorder. Also called: SAMD9L-related disorders; SAMD9L-related condition.
Ataxia-pancytopenia syndrome (ATXPC). Also called: SAMD9L-Related Syndrome; SAMD9L Ataxia-Pancytopenia Syndrome. Identifiers: Orphanet 2585, MedGen C1327919, MONDO:0008038, OMIM 159550.

Allele frequency attached by ClinVar (database versions not stated): gnomAD exomes 0.00002 and 0.00006; ExAC 0.00005; gnomAD 0.00011; TOPMed 0.00029; 1000 Genomes Project 0.00040; 1000 Genomes Project 30x 0.00047.

Submissions (6):

PreventionGenetics, part of Exact Sciences
Classification: Uncertain significance for SAMD9L-related condition. Last evaluated: 2026-01-30. Review status: criteria provided, single submitter. Criteria: ACMG Guidelines, 2015. Collection method: clinical testing. Allele origin: germline.
Comment: The SAMD9L c.659A>G variant is predicted to result in the amino acid substitution p.Glu220Gly. This variant was reported in an individual with myelodysplastic syndrome and functional studies indicated a loss of function effect (Supplemental Tables, Nagata et al. 2018. PubMed ID: 30322869). This variant is reported in 0.034% of alleles in individuals of Latino descent in gnomAD. This variant is classified as a variant of uncertain significance by multiple submitters in ClinVar (Variation ID:1056231). At this time, the clinical significance of this variant is uncertain due to the absence of conclusive functional and genetic evidence.

Labcorp Genetics (formerly Invitae), Labcorp
Classification: Uncertain significance. Last evaluated: 2026-01-29. Review status: criteria provided, single submitter. Criteria: Invitae Variant Classification Sherloc (09022015). Collection method: clinical testing. Allele origin: germline.
Comment: This sequence change replaces glutamic acid, which is acidic and polar, with glycine, which is neutral and non-polar, at codon 220 of the SAMD9L protein (p.Glu220Gly). This variant is present in population databases (rs202158782, gnomAD 0.03%). This missense change has been observed in individual(s) with myelodysplastic syndrome (PMID: 30322869). ClinVar contains an entry for this variant (Variation ID: 1056231). An algorithm developed to predict the effect of missense changes on protein structure and function (PolyPhen-2) suggests that this variant is likely to be disruptive. Experimental studies have shown that this missense change affects SAMD9L function (PMID: 30322869). In summary, the available evidence is currently insufficient to determine the role of this variant in disease. Therefore, it has been classified as a Variant of Uncertain Significance.

Women's Health and Genetics/Laboratory Corporation of America, LabCorp
Classification: Uncertain significance. Last evaluated: 2024-09-23. Review status: criteria provided, single submitter. Criteria: LabCorp Variant Classification Summary - May 2015. Collection method: clinical testing. Allele origin: germline.
Comment: Variant summary: SAMD9L c.659A>G (p.Glu220Gly) results in a non-conservative amino acid change in the encoded protein sequence. Four of five in-silico tools predict a damaging effect of the variant on protein function. The variant allele was found at a frequency of 6e-05 in 251112 control chromosomes. This frequency is not significantly higher than estimated for a pathogenic variant in SAMD9L causing SAMD9L-Related Disorders, allowing no conclusion about variant significance. c.659A>G has been reported in the literature in at least one heterozygous individual affected with an SAMD9L-Related Disorder (Nagata_2018). These report(s) do not provide unequivocal conclusions about association of the variant with SAMD9L-Related Disorders. One publication reports experimental evidence evaluating an impact on protein function, however, does not allow convincing conclusions about the variant effect (Nagata_2018). The following publication has been ascertained in the context of this evaluation (PMID: 30322869). ClinVar contains an entry for this variant (Variation ID: 1056231). Based on the evidence outlined above, the variant was classified as uncertain significance.

GeneDx
Classification: Uncertain significance. Last evaluated: 2024-02-02. Review status: criteria provided, single submitter. Criteria: GeneDx Variant Classification Process June 2021. Collection method: clinical testing. Allele origin: germline.
Comment: In silico analysis supports that this missense variant has a deleterious effect on protein structure/function; Observed in individuals with myelodysplastic syndrome in published literature (PMID: 30322869); Published functional studies demonstrate possible negative impact on down-regulation of cell proliferation (PMID: 30322869); This variant is associated with the following publications: (PMID: 28545555, 36880537, 30322869)

St. Jude Molecular Pathology, St. Jude Children's Research Hospital
Classification: Uncertain significance for Ataxia-pancytopenia syndrome. Last evaluated: 2023-12-25. Review status: criteria provided, single submitter. Criteria: St. Jude Assertion Criteria 2020. Collection method: clinical testing. Allele origin: germline.
Comment: The SAMD9L c.659A>G (p.Glu220Gly) missense change has a maximum subpopulation frequency of 0.03% in gnomAD v2.1.1. The in silico tool REVEL is inconclusive about a pathogenic or benign effect of this variant on protein function, however functional studies suggest the variant may have a damaging effect on protein function (PMID: 30322869). This variant has been reported in an individual with myelodysplastic syndrome (PMID: 30322869). In summary, the evidence currently available is insufficient to determine the clinical significance of this variant. It has therefore been classified as of uncertain significance.

Blueprint Genetics
Classification: Uncertain significance. Last evaluated: 2023-05-31. Review status: criteria provided, single submitter. Criteria: ACMG Guidelines, 2015. Collection method: clinical testing. Allele origin: germline.

Literature cited by the submitters: PubMed 30322869 (cited by Labcorp Genetics (formerly Invitae), Labcorp and Women's Health and Genetics/Laboratory Corporation of America, LabCorp).